The following is an entry in ClinVar:

NM_005591.4(MRE11):c.424G>A (p.Asp142Asn)

Gene: MRE11 (MRE11 double strand break repair nuclease; minus strand). Cytogenetic location: 11q21.
Variant type: single nucleotide variant.
Coding change: c.424G>A on transcript NM_005591.4 (MANE Select); coding-DNA position 424, G replaced by A.
Protein change: p.Asp142Asn; replaces aspartic acid 142 with asparagine.
Molecular consequence: missense variant.
Genome position (GRCh38, 1-based): chr11:94,478,855, C>T on the plus strand (G>A on the coding strand, the complement: MRE11 is on the minus strand). VCF-style: chr11-94478855-C-T. GRCh37 (hg19) VCF-style: chr11-94212021-C-T.
Other names: c.424G>A, p.Asp142Asn (NM_001330347.2, NM_005590.4); short protein forms D142N.
Identifiers: ClinVar variation 824722 (VCV000824722.4), dbSNP rs770383803, ClinGen allele CA6235392.

ClinVar aggregate classification (germline): Uncertain significance (1 of 4 stars; one submission).

Conditions:
Hereditary cancer-predisposing syndrome. Also called: Neoplastic Syndromes, Hereditary; Tumor predisposition; Hereditary neoplastic syndrome; Hereditary Cancer Syndrome. Identifiers: Orphanet 140162, MedGen C0027672, MeSH D009386, MONDO:0015356.

Allele frequency attached by ClinVar (database versions not stated): gnomAD exomes below 0.00001; TOPMed below 0.00001; ExAC 0.00001.
gnomAD v4.1: 1 of 1,613,770 alleles (0.000062%); highest among the groups gnomAD compares: Non-Finnish European, 0.000085%; no homozygotes.

Submission:

Ambry Genetics
Classification: Uncertain significance for Hereditary cancer-predisposing syndrome. Last evaluated: 2018-09-05. Review status: criteria provided, single submitter. Criteria: Ambry Variant Classification Scheme 2023. Collection method: clinical testing. Allele origin: germline.
Comment: The p.D142N variant (also known as c.424G>A), located in coding exon 5 of the MRE11A gene, results from a G to A substitution at nucleotide position 424. The aspartic acid at codon 142 is replaced by asparagine, an amino acid with highly similar properties. This alteration has been detected in conjunction with a second MRE11A alteration in an individual with ataxia telangiectasia like disorder (ATLD) (Valence S et al. Eu. J. Ped. Neuro., 2017:E57-58). This amino acid position is highly conserved in available vertebrate species. In addition, the in silico prediction for this alteration is inconclusive. Since supporting evidence is limited at this time, the clinical significance of this alteration remains unclear.